The following is an entry in ClinVar:

ClinVar aggregate classification (germline): Pathogenic (1 of 4 stars; one submission).

Conditions:
Hypertrophic cardiomyopathy 26. Also called: Cardiomyopathy, familial hypertrophic, 26. Identifiers: Orphanet 75249, MedGen C4310749, MONDO:0014883, OMIM 617047.
Distal myopathy with posterior leg and anterior hand involvement. Also called: WILLIAMS DISTAL MYOPATHY. Identifiers: Orphanet 63273, MedGen C3279722, MONDO:0013550, OMIM 614065.
Myofibrillar myopathy 5. Also called: FILAMINOPATHY, AUTOSOMAL DOMINANT; Filaminopathy (type). Identifiers: Orphanet 171445, MedGen C1836050, MONDO:0012289, OMIM 609524.

Submission:

Labcorp Genetics (formerly Invitae), Labcorp
Classification: Pathogenic for Distal myopathy with posterior leg and anterior hand involvement; Myofibrillar myopathy 5; Hypertrophic cardiomyopathy 26. Last evaluated: 2021-12-11. Review status: criteria provided, single submitter. Criteria: Invitae Variant Classification Sherloc (09022015). Collection method: clinical testing. Allele origin: germline.
Comment: This sequence change creates a premature translational stop signal (p.Leu2538Trpfs*23) in the FLNC gene. It is expected to result in an absent or disrupted protein product. Loss-of-function variants in FLNC are known to be pathogenic (PMID: 27908349). This variant is not present in population databases (gnomAD no frequency). This premature translational stop signal has been observed in individual(s) with dilated cardiomyopathy (Invitae). Algorithms developed to predict the effect of sequence changes on RNA splicing suggest that this variant may create or strengthen a splice site. For these reasons, this variant has been classified as Pathogenic.

Literature cited by the submitters: PubMed 27908349.

NM_001458.5(FLNC):c.7562-1_7612dup

Genes: FLNC (filamin C; plus strand), FLNC-AS1 (FLNC antisense RNA 1; minus strand). Cytogenetic location: 7q32.1.
Variant type: Duplication.
Coding change: c.7562-1_7612dup on transcript NM_001458.5 (MANE Select); the canonical splice acceptor site of the intron before coding-DNA position 7562 through coding-DNA position 7612, 52 bases duplicated.
Molecular consequence: splice acceptor variant.
Genome position (GRCh38, 1-based): chr7:128,857,117-128,857,168, 52 bases duplicated. GRCh37 (hg19): chr7:128,497,171-128,497,222.
Other names: c.7463-1_7513dup (NM_001127487.2).
Identifiers: ClinVar variation 2039536 (VCV002039536.4), dbSNP rs2536671106, ClinGen allele CA2580076601.